The following is an entry in ClinVar:

ClinVar aggregate classification (germline): Likely benign (0 of 4 stars; one submission).

Conditions:
ZMYM6-related disorder. Also called: ZMYM6-related condition.

Allele frequency attached by ClinVar (database versions not stated): 1000 Genomes Project 30x 0.00016; 1000 Genomes Project 0.00020; ExAC 0.00031; gnomAD 0.00056; TOPMed 0.00106; gnomAD exomes 0.00109.
gnomAD v4.1: 1,645 of 1,551,564 alleles (0.11%); highest among the groups gnomAD compares: Non-Finnish European, 0.13%; 1 homozygote.

Submission:

PreventionGenetics, part of Exact Sciences
Classification: Likely benign for ZMYM6-related condition. Last evaluated: 2019-05-31. Review status: no assertion criteria provided. Collection method: clinical testing. Allele origin: germline.
Comment: This variant is classified as likely benign based on ACMG/AMP sequence variant interpretation guidelines (Richards et al. 2015 PMID: 25741868, with internal and published modifications).

NM_007167.4(ZMYM6):c.3012A>G (p.Thr1004=)

Gene: ZMYM6 (zinc finger MYM-type containing 6; minus strand). Cytogenetic location: 1p34.3.
Variant type: single nucleotide variant.
Coding change: c.3012A>G on transcript NM_007167.4 (MANE Select); coding-DNA position 3012, A replaced by G.
Protein change: p.Thr1004=; no amino-acid change (threonine 1004 retained).
Molecular consequence: synonymous variant.
Genome position (GRCh38, 1-based): chr1:34,988,070, T>C on the plus strand (A>G on the coding strand, the complement: ZMYM6 is on the minus strand). VCF-style: chr1-34988070-T-C. GRCh37 (hg19) VCF-style: chr1-35453671-T-C.
Identifiers: ClinVar variation 3044718 (VCV003044718.2), dbSNP rs541106336, ClinGen allele CA756240.